The following is an entry in ClinVar:

ClinVar aggregate classification (germline): Uncertain significance (1 of 4 stars; one submission).

Conditions:
Hereditary pancreatitis (PCTT). Also called: Hereditary chronic pancreatitis; PRSS1-Related Hereditary Pancreatitis. Identifiers: Orphanet 676, MedGen C0238339, MONDO:0008185, OMIM 167800.

gnomAD v4.1: 1 of 1,613,354 alleles (0.000062%); highest among the groups gnomAD compares: Non-Finnish European, 0.000085%; no homozygotes.

Submission:

Ambry Genetics
Classification: Uncertain significance for Hereditary pancreatitis. Last evaluated: 2023-11-22. Review status: criteria provided, single submitter. Criteria: Ambry Variant Classification Scheme 2023. Collection method: clinical testing. Allele origin: germline.
Comment: The p.N37K variant (also known as c.111T>G), located in coding exon 3 of the SPINK1 gene, results from a T to G substitution at nucleotide position 111. The asparagine at codon 37 is replaced by lysine, an amino acid with similar properties. This amino acid position is conserved. In addition, this alteration is predicted to be tolerated by in silico analysis. Since supporting evidence is limited at this time, the clinical significance of this alteration remains unclear.

NM_001379610.1(SPINK1):c.111T>G (p.Asn37Lys)

Gene: SPINK1 (serine peptidase inhibitor Kazal type 1; minus strand). Cytogenetic location: 5q32.
Variant type: single nucleotide variant.
Coding change: c.111T>G on transcript NM_001379610.1 (MANE Select); coding-DNA position 111, T replaced by G.
Protein change: p.Asn37Lys; replaces asparagine 37 with lysine.
Molecular consequence: missense variant.
Genome position (GRCh38, 1-based): chr5:147,828,105, A>C on the plus strand (T>G on the coding strand, the complement: SPINK1 is on the minus strand). VCF-style: chr5-147828105-A-C. GRCh37 (hg19) VCF-style: chr5-147207668-A-C.
Other names: c.111T>G, p.Asn37Lys (NM_001354966.2, NM_003122.5); short protein forms N37K.
Identifiers: ClinVar variation 3223128 (VCV003223128.1), dbSNP rs769216699, ClinGen allele CA361885341.